The following is an entry in ClinVar:

NM_000632.4(ITGAM):c.2982C>T (p.Leu994=)

Gene: ITGAM (integrin subunit alpha M; plus strand). Cytogenetic location: 16p11.2.
Variant type: single nucleotide variant.
Coding change: c.2982C>T on transcript NM_000632.4 (MANE Select); coding-DNA position 2982, C replaced by T.
Protein change: p.Leu994=; no amino-acid change (leucine 994 retained).
Molecular consequence: synonymous variant.
Genome position (GRCh38, 1-based): chr16:31,330,086, C>T. VCF-style: chr16-31330086-C-T. GRCh37 (hg19) VCF-style: chr16-31341407-C-T.
Other names: c.2985C>T, p.Leu995= (NM_001145808.2).
Identifiers: ClinVar variation 2646476 (VCV002646476.24), dbSNP rs771884403, ClinGen allele CA8026039.

ClinVar aggregate classification (germline): Likely benign (1 of 4 stars; one submission).

Allele frequency attached by ClinVar (database versions not stated): ExAC 0.00001; gnomAD exomes 0.00001.
gnomAD v4.1: 15 of 1,613,584 alleles (0.00093%); highest among the groups gnomAD compares: Non-Finnish European, 0.0013%; no homozygotes.

Submission:

CeGaT Center for Human Genetics Tuebingen
Classification: Likely benign. Last evaluated: 2022-09-01. Review status: criteria provided, single submitter. Criteria: CeGaT Center For Human Genetics Tuebingen Variant Classification Criteria Version 2. Collection method: clinical testing. Allele origin: germline. Affected: yes. Observed: 1 variant allele.
Comment: ITGAM: BP4, BP7